The following is an entry in ClinVar:

NM_001371904.1(APOA5):c.1028G>C (p.Arg343Pro)

Gene: APOA5 (apolipoprotein A5; minus strand). Cytogenetic location: 11q23.3.
Variant type: single nucleotide variant.
Coding change: c.1028G>C on transcript NM_001371904.1 (MANE Select); coding-DNA position 1028, G replaced by C.
Protein change: p.Arg343Pro; replaces arginine 343 with proline.
Molecular consequence: missense variant.
Genome position (GRCh38, 1-based): chr11:116,790,201, C>G on the plus strand (G>C on the coding strand, the complement: APOA5 is on the minus strand). VCF-style: chr11-116790201-C-G. GRCh37 (hg19) VCF-style: chr11-116660917-C-G.
Other names: c.1028G>C, p.Arg343Pro (NM_001166598.2, NM_052968.5); short protein forms R343P.
Identifiers: ClinVar variation 2841830 (VCV002841830.3), dbSNP rs1591312418, ClinGen allele CA382734271.
Genomic context (GRCh38, chr11:116,790,201, plus strand): 5'-AGATGGCTGTGGCCCTGGTCATGAAGGCTGTGAGTGATGTCTTCCCACAGGTCATCCAGA[C>G]GGGCCTGCAGCTTGCTCAGAACCTTGCCACTGTCTGTTTGTTGAAACTCTGGGGCGAAGG-3'
Protein context (NP_001358833.1, residues 333-353): SGKVLSKLQA[Arg343Pro]LDDLWEDITH

ClinVar aggregate classification (germline): Uncertain significance (1 of 4 stars; one submission).

gnomAD v4.1: 1 of 1,614,250 alleles (0.000062%); highest among the groups gnomAD compares: South Asian, 0.0011%; no homozygotes.

Submission:

Labcorp Genetics (formerly Invitae), Labcorp
Classification: Uncertain significance. Last evaluated: 2024-07-08. Review status: criteria provided, single submitter. Criteria: Invitae Variant Classification Sherloc (09022015). Collection method: clinical testing. Allele origin: germline.
Comment: This sequence change replaces arginine, which is basic and polar, with proline, which is neutral and non-polar, at codon 343 of the APOA5 protein (p.Arg343Pro). This variant is not present in population databases (gnomAD no frequency). This variant has not been reported in the literature in individuals affected with APOA5-related conditions. An algorithm developed to predict the effect of missense changes on protein structure and function (PolyPhen-2) suggests that this variant is likely to be disruptive. In summary, the available evidence is currently insufficient to determine the role of this variant in disease. Therefore, it has been classified as a Variant of Uncertain Significance.